The following is an entry in ClinVar:

ClinVar aggregate classification (germline): Uncertain significance (1 of 4 stars; one submission).

gnomAD v4.1: 2 of 1,614,002 alleles (0.00012%); highest among the groups gnomAD compares: Non-Finnish European, 0.00017%; no homozygotes.

Submission:

Women's Health and Genetics/Laboratory Corporation of America, LabCorp
Classification: Uncertain significance. Last evaluated: 2022-07-10. Review status: criteria provided, single submitter. Criteria: LabCorp Variant Classification Summary - May 2015. Collection method: clinical testing. Allele origin: germline.
Comment: Variant summary: PKD1L1 c.3683G>A (p.Ser1228Asn) results in a conservative amino acid change located in the PKD/REJ-like domain (IPR002859) of the encoded protein sequence. Three of five in-silico tools predict a benign effect of the variant on protein function. The variant was absent in 251336 control chromosomes (gnomAD). The available data on variant occurrences in the general population are insufficient to allow any conclusion about variant significance. To our knowledge, no occurrence of c.3683G>A in individuals affected with Heterotaxy, Visceral, 8, Autosomal and no experimental evidence demonstrating its impact on protein function have been reported. No clinical diagnostic laboratories have submitted clinical-significance assessments for this variant to ClinVar after 2014. Based on the evidence outlined above, the variant was classified as uncertain significance.

NM_138295.5(PKD1L1):c.3683G>A (p.Ser1228Asn)

Gene: PKD1L1 (polycystin 1 like 1, transient receptor potential channel interacting; minus strand). Cytogenetic location: 7p12.3.
Variant type: single nucleotide variant.
Coding change: c.3683G>A on transcript NM_138295.5 (MANE Select); coding-DNA position 3683, G replaced by A.
Protein change: p.Ser1228Asn; replaces serine 1228 with asparagine.
Molecular consequence: missense variant.
Genome position (GRCh38, 1-based): chr7:47,876,198, C>T on the plus strand (G>A on the coding strand, the complement: PKD1L1 is on the minus strand). VCF-style: chr7-47876198-C-T. GRCh37 (hg19) VCF-style: chr7-47915796-C-T.
Other names: short protein forms S1228N.
Identifiers: ClinVar variation 1704618 (VCV001704618.1), dbSNP rs2484054468, ClinGen allele CA367476526.